The following is an entry in ClinVar:

NM_006245.4(PPP2R5D):c.1735G>A (p.Val579Met)

Genes: MEA1 (male-enhanced antigen 1; minus strand), PPP2R5D (protein phosphatase 2 regulatory subunit B'delta; plus strand). Cytogenetic location: 6p21.1.
Variant type: single nucleotide variant.
Coding change: c.1735G>A on transcript NM_006245.4 (MANE Select); coding-DNA position 1735, G replaced by A.
Protein change: p.Val579Met; replaces valine 579 with methionine.
Molecular consequence: missense variant. On other transcripts: 3 prime UTR variant (1).
Genome position (GRCh38, 1-based): chr6:43,011,212, G>A. VCF-style: chr6-43011212-G-A. GRCh37 (hg19) VCF-style: chr6-42978950-G-A.
Other names: c.1735G>A (NM_006245.2); c.*1258C>T (NM_014623.4); c.1282G>A, p.Val428Met (NM_001270476.2); c.1639G>A, p.Val547Met (NM_180976.3); c.1417G>A, p.Val473Met (NM_180977.3); short protein forms V428M, V547M, V473M, V579M.
Identifiers: ClinVar variation 1915809 (VCV001915809.17), dbSNP rs780858279, ClinGen allele CA3812160.
Genomic context (GRCh38, chr6:43,011,212, plus strand): 5'-CTAAAAGACATCAAGAAGGAGAAAGTGCTGCTGCGGAGGAAGTCGGAGCTGCCCCAGGAC[G>A]TGTACACCATCAAGGCACTGGAGGCGCACAAGCGGGCGGAAGAGTTCCTAACTGCCAGCC-3'
Protein context (NP_006236.1, residues 569-589): LRRKSELPQD[Val579Met]YTIKALEAHK

ClinVar aggregate classification (germline): Conflicting classifications of pathogenicity. Review status: criteria provided, conflicting classifications (1 of 4 stars). 3 submissions from 3 submitters: Uncertain significance (1); Likely benign (2). Last evaluated 2025-11-27.

Conditions:
Inborn genetic diseases. Identifiers: MedGen C0950123, MeSH D030342.

Allele frequency attached by ClinVar (database versions not stated): ExAC 0.00002; gnomAD exomes 0.00002; gnomAD 0.00003; TOPMed 0.00003.
gnomAD v4.1: 27 of 1,614,034 alleles (0.0017%); highest among the groups gnomAD compares: East Asian, 0.0067%; no homozygotes.

Submissions (3):

Ambry Genetics
Classification: Likely benign for Inborn genetic diseases. Last evaluated: 2025-11-27. Review status: criteria provided, single submitter. Criteria: Ambry Variant Classification Scheme 2023. Collection method: clinical testing. Allele origin: germline.

CeGaT Center for Human Genetics Tuebingen
Classification: Likely benign. Last evaluated: 2025-01-01. Review status: criteria provided, single submitter. Criteria: CeGaT Center For Human Genetics Tuebingen Variant Classification Criteria Version 2. Collection method: clinical testing. Allele origin: germline. Affected: yes. Observed: 1 variant allele.
Comment: PPP2R5D: BS1

Labcorp Genetics (formerly Invitae), Labcorp
Classification: Uncertain significance. Last evaluated: 2023-08-11. Review status: criteria provided, single submitter. Criteria: Invitae Variant Classification Sherloc (09022015). Collection method: clinical testing. Allele origin: germline.
Comment: In summary, the available evidence is currently insufficient to determine the role of this variant in disease. Therefore, it has been classified as a Variant of Uncertain Significance. An algorithm developed to predict the effect of missense changes on protein structure and function (PolyPhen-2) suggests that this variant¬†is likely to be tolerated. ClinVar contains an entry for this variant (Variation ID: 1915809). This variant has not been reported in the literature in individuals affected with PPP2R5D-related conditions. This variant is present in population databases (rs780858279, gnomAD 0.01%). This sequence change replaces valine, which is neutral and non-polar, with methionine, which is neutral and non-polar, at codon 579 of the PPP2R5D protein (p.Val579Met).